The following is an entry in ClinVar:

ClinVar aggregate classification (germline): Uncertain significance (1 of 4 stars; one submission).

Allele frequency attached by ClinVar (database versions not stated): ExAC 0.00001; gnomAD exomes 0.00001.
gnomAD v4.1: 15 of 1,614,168 alleles (0.00093%); highest among the groups gnomAD compares: Admixed American, 0.02%; no homozygotes.

Submission:

Labcorp Genetics (formerly Invitae), Labcorp
Classification: Uncertain significance. Last evaluated: 2022-09-13. Review status: criteria provided, single submitter. Criteria: Invitae Variant Classification Sherloc (09022015). Collection method: clinical testing. Allele origin: germline.
Comment: This sequence change replaces phenylalanine, which is neutral and non-polar, with leucine, which is neutral and non-polar, at codon 153 of the NDUFS1 protein (p.Phe153Leu). This variant is present in population databases (rs778246658, gnomAD 0.006%). This variant has not been reported in the literature in individuals affected with NDUFS1-related conditions. ClinVar contains an entry for this variant (Variation ID: 1393345). Advanced modeling of protein sequence and biophysical properties (such as structural, functional, and spatial information, amino acid conservation, physicochemical variation, residue mobility, and thermodynamic stability) performed at Invitae indicates that this missense variant is not expected to disrupt NDUFS1 protein function. In summary, the available evidence is currently insufficient to determine the role of this variant in disease. Therefore, it has been classified as a Variant of Uncertain Significance.

NM_005006.7(NDUFS1):c.457T>C (p.Phe153Leu)

Gene: NDUFS1 (NADH:ubiquinone oxidoreductase core subunit S1; minus strand). Cytogenetic location: 2q33.3.
Variant type: single nucleotide variant.
Coding change: c.457T>C on transcript NM_005006.7 (MANE Select); coding-DNA position 457, T replaced by C.
Protein change: p.Phe153Leu; replaces phenylalanine 153 with leucine.
Molecular consequence: missense variant.
Genome position (GRCh38, 1-based): chr2:206,147,625, A>G on the plus strand (T>C on the coding strand, the complement: NDUFS1 is on the minus strand). VCF-style: chr2-206147625-A-G. GRCh37 (hg19) VCF-style: chr2-207012349-A-G.
Other names: c.349T>C, p.Phe117Leu (NM_001199981.2); c.124T>C, p.Phe42Leu (NM_001199982.2); c.286T>C, p.Phe96Leu (NM_001199983.2); c.499T>C, p.Phe167Leu (NM_001199984.2); short protein forms F153L, F96L, F117L, F167L, F42L.
Identifiers: ClinVar variation 1393345 (VCV001393345.6), dbSNP rs778246658, ClinGen allele CA2070769.